The following is an entry in ClinVar:

ClinVar aggregate classification (germline): Uncertain significance (1 of 4 stars; one submission).

Conditions:
Cardiovascular phenotype. Identifiers: MedGen CN230736.

Allele frequency attached by ClinVar (database versions not stated): TOPMed below 0.00001.

Submission:

Ambry Genetics
Classification: Uncertain significance for Cardiovascular phenotype. Last evaluated: 2024-02-17. Review status: criteria provided, single submitter. Criteria: Ambry Variant Classification Scheme 2023. Collection method: clinical testing. Allele origin: germline.
Comment: The p.T171P variant (also known as c.511A>C), located in coding exon 2 of the TNXB gene, results from an A to C substitution at nucleotide position 511. The threonine at codon 171 is replaced by proline, an amino acid with highly similar properties. This amino acid position is conserved. In addition, this alteration is predicted to be tolerated by in silico analysis. Based on the available evidence, the clinical significance of this alteration remains unclear.

NM_001365276.2(TNXB):c.511A>C (p.Thr171Pro)

Gene: TNXB (tenascin XB; minus strand). Cytogenetic location: 6p21.33.
Variant type: single nucleotide variant.
Coding change: c.511A>C on transcript NM_001365276.2 (MANE Select); coding-DNA position 511, A replaced by C.
Protein change: p.Thr171Pro; replaces threonine 171 with proline.
Molecular consequence: missense variant.
Genome position (GRCh38, 1-based): chr6:32,097,342, T>G on the plus strand (A>C on the coding strand, the complement: TNXB is on the minus strand). VCF-style: chr6-32097342-T-G. GRCh37 (hg19) VCF-style: chr6-32065119-T-G.
Other names: c.511A>C, p.Thr171Pro (NM_001428335.1, NM_019105.8); short protein forms T171P.
Identifiers: ClinVar variation 3227288 (VCV003227288.1), dbSNP rs781212510, ClinGen allele CA363487801.
Genomic context (GRCh38, chr6:32,097,342, plus strand): 5'-AGTCATCTGGGCAGGACCCCGAGGCTGAGGGTGGGGAAGAGGGAGGGATCTCAGCATCTG[T>G]GGGGTCTGAGCAGGTGGGCCCACCCCAGCCTGGCTCACAGGAACAGGTGCAGCGGCTCAG-3'
Protein context (NP_001352205.1, residues 161-181): GWGGPTCSDP[Thr171Pro]DAEIPPSSPP